The following is an entry in ClinVar:

NM_000038.6(APC):c.1959-12A>C

Gene: APC (APC regulator of Wnt signaling pathway; plus strand). Cytogenetic location: 5q22.2.
Variant type: single nucleotide variant.
Coding change: c.1959-12A>C on transcript NM_000038.6 (MANE Select); 12 bases into the intron before coding-DNA position 1959, A replaced by C.
Molecular consequence: intron variant.
Genome position (GRCh38, 1-based): chr5:112,837,541, A>C. VCF-style: chr5-112837541-A-C. GRCh37 (hg19) VCF-style: chr5-112173238-A-C.
Other names: c.1110-12A>C (NM_001407470.1, NM_001354906.2); c.807-12A>C (NM_001407472.1, NM_001407471.1); c.2013-12A>C (NM_001407447.1, NM_001407448.1, NM_001407449.1 and 1 more transcripts); c.1959-12A>C (NM_001354895.2, NM_001407450.1, NM_001127510.3); c.1710-12A>C (NM_001407456.1, NM_001407457.1, NM_001407455.1 and 1 more transcripts); c.1656-12A>C (NM_001407460.1, NM_001407458.1, NM_001407459.1 and 1 more transcripts); c.1929-12A>C (NM_001407452.1); c.1572-12A>C (NM_001407469.1, NM_001407467.1); and 11 more.
Identifiers: ClinVar variation 3148084 (VCV003148084.1), dbSNP rs2533386808, ClinGen allele CA2825001365.
Genomic context (GRCh38, chr5:112,837,541, plus strand): 5'-TCTATCCTTTTATTTGTTGTTACTGCATACACATTGTGACCTTAATTTTGTGATCTCTTG[A>C]TTTTATTTCAGGCAAATCCTAAGAGAGAACAACTGTCTACAAACTTTATTACAACACTTA-3'

ClinVar aggregate classification (germline): Likely benign (1 of 4 stars; one submission).

Conditions:
Familial adenomatous polyposis 1 (FAP1). Also called: POLYPOSIS, ADENOMATOUS INTESTINAL; FAMILIAL ADENOMATOUS POLYPOSIS 1, ATTENUATED. Identifiers: MedGen C2713442, MONDO:0021056, OMIM 175100. Disease mechanism: loss of function.

Submission:

Myriad Genetics, Inc.
Classification: Likely benign for Familial adenomatous polyposis 1. Last evaluated: 2024-03-08. Review status: criteria provided, single submitter. Criteria: Myriad Autosomal Dominant, Autosomal Recessive and X-Linked Classification Criteria (2023). Collection method: clinical testing. Allele origin: unknown.
Comment: This variant is considered likely benign. This variant is intronic and is not expected to impact mRNA splicing.